The following is an entry in ClinVar:

NM_006514.4(SCN10A):c.5329del (p.Ile1777fs)

Gene: SCN10A (sodium voltage-gated channel alpha subunit 10; minus strand). Cytogenetic location: 3p22.2.
Variant type: Deletion.
Coding change: c.5329del on transcript NM_006514.4 (MANE Select); coding-DNA position 5329, one base deleted (A; older notation c.5329delA).
Protein change: p.Ile1777fs; shifts the reading frame from isoleucine 1777.
Molecular consequence: frameshift variant.
Genome position (GRCh38, 1-based): chr3:38,697,891, T deleted on the plus strand (A on the coding strand, the reverse complement: SCN10A is on the minus strand); the first of 2 consecutive T bases (chr3:38,697,891-38,697,892); deleting either gives the same sequence. VCF-style (leftmost placement, unchanged base first): chr3-38697890-AT-A. GRCh37 (hg19) VCF-style: chr3-38739381-AT-A.
Other names: c.5326del, p.Ile1776fs (NM_001293306.2); c.5035del, p.Ile1679fs (NM_001293307.2); short protein forms I1777fs, I1679fs, I1776fs.
Identifiers: ClinVar variation 2624441 (VCV002624441.2), dbSNP rs747652031, ClinGen allele CA2319696.

ClinVar aggregate classification (germline): Uncertain significance (1 of 4 stars; one submission).

Conditions:
Cardiovascular phenotype. Identifiers: MedGen CN230736.

Submission:

Ambry Genetics
Classification: Uncertain significance for Cardiovascular phenotype. Last evaluated: 2023-07-28. Review status: criteria provided, single submitter. Criteria: Ambry Variant Classification Scheme 2023. Collection method: clinical testing. Allele origin: germline.
Comment: The c.5329delA variant, located in coding exon 27 of the SCN10A gene, results from a deletion of one nucleotide at nucleotide position 5329, causing a translational frameshift with a predicted alternate stop codon (p.I1777Sfs*9). This alteration is expected to result in protein truncation. However, loss of function of SCN10A has not been established as a mechanism of disease. The evidence for this gene-disease relationship is limited; therefore, the clinical significance of this alteration is unclear.